The following is an entry in ClinVar:

ClinVar aggregate classification (germline): Pathogenic. Review status: criteria provided, multiple submitters, no conflicts (2 of 4 stars). 2 submissions from 2 submitters: Pathogenic (2). Last evaluated 2024-11-05.

Conditions:
Fanconi anemia (FA). Also called: Fanconi's anemia. Identifiers: Orphanet 84, MedGen C0015625, MeSH D005199, MONDO:0019391.
Fanconi anemia complementation group C (FANCC). Also called: FANCONI PANCYTOPENIA, TYPE 3; FACC; FANCC-Related Fanconi Anemia; Fanconi anemia, group C. Identifiers: Orphanet 84, MedGen C3468041, MONDO:0009213, OMIM 227645.

Submissions (2):

Women's Health and Genetics/Laboratory Corporation of America, LabCorp
Classification: Pathogenic for Fanconi anemia complementation group C. Last evaluated: 2024-11-05. Review status: criteria provided, single submitter. Criteria: LabCorp Variant Classification Summary - May 2015. Collection method: clinical testing. Allele origin: germline.
Comment: Variant summary: FANCC c.992_995dupAGCA (p.Leu333AlafsX42) results in a premature termination codon, predicted to cause a truncation of the encoded protein or absence of the protein due to nonsense mediated decay, which are commonly known mechanisms for disease. The variant was absent in 251452 control chromosomes (gnomAD). c.992_995dupAGCA has been reported in the literature in at least an individual affected with pancreatic cancer (Hu_2018). To our knowledge, no experimental evidence demonstrating an impact on protein function has been reported. The following publication have been ascertained in the context of this evaluation (PMID: 29922827). No submitters have cited clinical-significance assessments for this variant to ClinVar. Based on the evidence outlined above, the variant was classified as pathogenic.

Labcorp Genetics (formerly Invitae), Labcorp
Classification: Pathogenic for Fanconi anemia. Last evaluated: 2023-07-10. Review status: criteria provided, single submitter. Criteria: Invitae Variant Classification Sherloc (09022015). Collection method: clinical testing. Allele origin: germline.
Comment: This sequence change creates a premature translational stop signal (p.Leu333Alafs*42) in the FANCC gene. It is expected to result in an absent or disrupted protein product. Loss-of-function variants in FANCC are known to be pathogenic (PMID: 17924555). This variant is not present in population databases (gnomAD no frequency). For these reasons, this variant has been classified as Pathogenic. This premature translational stop signal has been observed in individual(s) with pancreatic cancer (PMID: 29922827).

Literature cited by the submitters: PubMed 29922827 (cited by Women's Health and Genetics/Laboratory Corporation of America, LabCorp and Labcorp Genetics (formerly Invitae), Labcorp); PubMed 17924555 (cited by Labcorp Genetics (formerly Invitae), Labcorp).

NM_000136.3(FANCC):c.992_995dup (p.Leu333fs)

Genes: FANCC (FA complementation group C; minus strand), AOPEP (aminopeptidase O (putative); plus strand). Cytogenetic location: 9q22.32.
Variant type: Microsatellite.
Coding change: c.992_995dup on transcript NM_000136.3 (MANE Select); coding-DNA positions 992 to 995, 4 bases duplicated (AGCA; older notation c.992_995dupAGCA).
Protein change: p.Leu333fs; shifts the reading frame from leucine 333.
Molecular consequence: frameshift variant.
Genome position (GRCh38, 1-based): chr9:95,125,087-95,125,090, TGCT duplicated on the plus strand (AGCA on the coding strand, the reverse complement: FANCC is on the minus strand); duplicating any 4 consecutive bases within chr9:95,125,087-95,125,099 gives the same sequence; the c. name uses the placement nearest the transcript's 3' end. VCF-style (leftmost placement, unchanged base first): chr9-95125086-C-CTGCT. GRCh37 (hg19) VCF-style: chr9-97887368-C-CTGCT.
Other names: c.992_995dupAGCA (NM_000136.3); c.992_995dup, p.Leu333fs (NM_001243743.2, NM_001243744.2); short protein forms L333fs.
Identifiers: ClinVar variation 2898775 (VCV002898775.4), dbSNP rs2134921669, ClinGen allele CA2690790576.